The following is an entry in ClinVar:

NM_000179.3(MSH6):c.3194A>G (p.Asn1065Ser)

Gene: MSH6 (mutS homolog 6; plus strand). Cytogenetic location: 2p16.3.
Variant type: single nucleotide variant.
Coding change: c.3194A>G on transcript NM_000179.3 (MANE Select); coding-DNA position 3194, A replaced by G.
Protein change: p.Asn1065Ser; replaces asparagine 1065 with serine.
Molecular consequence: missense variant. On other transcripts: 5 prime UTR variant (1), non-coding transcript variant (5), intron variant (1).
Genome position (GRCh38, 1-based): chr2:47,803,441, A>G. VCF-style: chr2-47803441-A-G. GRCh37 (hg19) VCF-style: chr2-48030580-A-G.
Other names: c.2804A>G, p.Asn935Ser (NM_001281492.2); c.2288A>G, p.Asn763Ser (NM_001281493.2, NM_001281494.2, NM_001406811.1 and 6 more transcripts); c.3290A>G, p.Asn1097Ser (NM_001406795.1, NM_001406802.1); c.3194A>G, p.Asn1065Ser (NM_001406796.1, NM_001406800.1, NM_001406808.1 and 1 more transcripts); c.2897A>G, p.Asn966Ser (NM_001406797.1, NM_001406801.1, NM_001406805.1 and 10 more transcripts); c.2669A>G, p.Asn890Ser (NM_001406799.1, NM_001406806.1, NM_001406807.1); c.2330A>G, p.Asn777Ser (NM_001406803.1); c.3116A>G, p.Asn1039Ser (NM_001406804.1); and 7 more; short protein forms N1039S, N1065S, N1097S, N890S, N1067S, N380S, N935S, N966S.
Identifiers: ClinVar variation 2981317 (VCV002981317.5), dbSNP rs2104472325, ClinGen allele CA346757852.

ClinVar aggregate classification (germline): Uncertain significance. Review status: criteria provided, multiple submitters, no conflicts (2 of 4 stars). 3 submissions from 3 submitters: Uncertain significance (3). Last evaluated 2025-01-22.

Conditions:
Lynch syndrome. Identifiers: Orphanet 144, MedGen C4552100, MONDO:0005835. Disease mechanism: loss of function.
Hereditary nonpolyposis colorectal neoplasms. Identifiers: MedGen C0009405, MeSH D003123.
Hereditary cancer-predisposing syndrome. Also called: Tumor predisposition; Hereditary neoplastic syndrome; Hereditary Cancer Syndrome; Neoplastic Syndromes, Hereditary. Identifiers: Orphanet 140162, MedGen C0027672, MeSH D009386, MONDO:0015356.

Submissions (3):

Labcorp Genetics (formerly Invitae), Labcorp
Classification: Uncertain significance for Hereditary nonpolyposis colorectal neoplasms. Last evaluated: 2025-01-22. Review status: criteria provided, single submitter. Criteria: Invitae Variant Classification Sherloc (09022015). Collection method: clinical testing. Allele origin: germline.
Comment: This sequence change replaces asparagine, which is neutral and polar, with serine, which is neutral and polar, at codon 1065 of the MSH6 protein (p.Asn1065Ser). This variant is not present in population databases (gnomAD no frequency). This variant has not been reported in the literature in individuals affected with MSH6-related conditions. ClinVar contains an entry for this variant (Variation ID: 2981317). Invitae Evidence Modeling of protein sequence and biophysical properties (such as structural, functional, and spatial information, amino acid conservation, physicochemical variation, residue mobility, and thermodynamic stability) indicates that this missense variant is not expected to disrupt MSH6 protein function with a negative predictive value of 95%. In summary, the available evidence is currently insufficient to determine the role of this variant in disease. Therefore, it has been classified as a Variant of Uncertain Significance.

Ambry Genetics
Classification: Uncertain significance for Hereditary cancer-predisposing syndrome. Last evaluated: 2024-05-31. Review status: criteria provided, single submitter. Criteria: Ambry Variant Classification Scheme 2023. Collection method: clinical testing. Allele origin: germline.
Comment: The p.N1065S variant (also known as c.3194A>G), located in coding exon 5 of the MSH6 gene, results from an A to G substitution at nucleotide position 3194. The asparagine at codon 1065 is replaced by serine, an amino acid with highly similar properties. This amino acid position is conserved. In addition, this alteration is predicted to be tolerated by in silico analysis. Based on the available evidence, the clinical significance of this variant remains unclear.

All of Us Research Program, National Institutes of Health
Classification: Uncertain significance for Lynch syndrome. Last evaluated: 2023-06-26. Review status: criteria provided, single submitter. Criteria: ACMG Guidelines, 2015. Collection method: clinical testing. Allele origin: germline. Inheritance: Autosomal dominant inheritance. Observed: 1 variant allele, 1 heterozygote.
Comment: This missense variant replaces asparagine with serine at codon 1065 of the MSH6 protein. Computational prediction suggests that this variant may not impact protein structure and function (internally defined REVEL score threshold <= 0.5, PMID: 27666373). To our knowledge, functional studies have not been reported for this variant. This variant has not been reported in individuals affected with MSH6-related disorders in the literature. This variant has not been identified in the general population by the Genome Aggregation Database (gnomAD). The available evidence is insufficient to determine the role of this variant in disease conclusively. Therefore, this variant is classified as a Variant of Uncertain Significance.

This study involves interpretation of variants in research participants for the purpose of population health screening. Participant phenotype was not available at the time of variant classification. Additional details can be found in publication PMID: 35346344, PMCID: PMC8962531